The following is an entry in ClinVar:

ClinVar aggregate classification (germline): Uncertain significance. Review status: criteria provided, multiple submitters, no conflicts (2 of 4 stars). 3 submissions from 3 submitters: Uncertain significance (2). 1 of the submissions does not count toward it. Last evaluated 2025-01-10.

Conditions:
Hereditary cancer-predisposing syndrome. Also called: Tumor predisposition; Hereditary neoplastic syndrome; Neoplastic Syndromes, Hereditary; Hereditary Cancer Syndrome. Identifiers: Orphanet 140162, MedGen C0027672, MeSH D009386, MONDO:0015356.
Bloom syndrome (BLM). Also called: Bloom-Torre-Machacek syndrome. Identifiers: Orphanet 125, MedGen C0005859, MONDO:0008876, OMIM 210900.

Allele frequency attached by ClinVar (database versions not stated): gnomAD exomes 0.00001; ExAC 0.00002; TOPMed 0.00002; ESP Exome Variant Server 0.00015.
gnomAD v4.1: 3 of 1,613,958 alleles (0.00019%); highest among the groups gnomAD compares: Non-Finnish European, 0.00025%; no homozygotes.

Submissions (3):

Ambry Genetics
Classification: Uncertain significance for Hereditary cancer-predisposing syndrome. Last evaluated: 2025-01-10. Review status: criteria provided, single submitter. Criteria: Ambry Variant Classification Scheme 2023. Collection method: clinical testing. Allele origin: germline.
Comment: The p.S72A variant (also known as c.214T>G), located in coding exon 2 of the BLM gene, results from a T to G substitution at nucleotide position 214. The serine at codon 72 is replaced by alanine, an amino acid with similar properties. This amino acid position is well conserved in available vertebrate species. In addition, this alteration is predicted to be tolerated by in silico analysis. Since supporting evidence is limited at this time, the clinical significance of this alteration remains unclear.

Labcorp Genetics (formerly Invitae), Labcorp
Classification: Uncertain significance for Bloom syndrome. Last evaluated: 2024-08-07. Review status: criteria provided, single submitter. Criteria: Invitae Variant Classification Sherloc (09022015). Collection method: clinical testing. Allele origin: germline.
Comment: This sequence change replaces serine, which is neutral and polar, with alanine, which is neutral and non-polar, at codon 72 of the BLM protein (p.Ser72Ala). This variant is present in population databases (rs146521411, gnomAD 0.002%). This variant has not been reported in the literature in individuals affected with BLM-related conditions. ClinVar contains an entry for this variant (Variation ID: 666155). An algorithm developed to predict the effect of missense changes on protein structure and function (PolyPhen-2) suggests that this variant¬†is likely to be tolerated. In summary, the available evidence is currently insufficient to determine the role of this variant in disease. Therefore, it has been classified as a Variant of Uncertain Significance.

Natera, Inc.
Classification: Uncertain significance for Bloom syndrome. Last evaluated: 2020-09-16. Review status: no assertion criteria provided. Collection method: clinical testing. Allele origin: germline. Not counted in ClinVar's aggregate classification.

NM_000057.4(BLM):c.214T>G (p.Ser72Ala)

Gene: BLM (BLM RecQ like helicase; plus strand). Cytogenetic location: 15q26.1.
Variant type: single nucleotide variant.
Coding change: c.214T>G on transcript NM_000057.4 (MANE Select); coding-DNA position 214, T replaced by G.
Protein change: p.Ser72Ala; replaces serine 72 with alanine.
Molecular consequence: missense variant. On other transcripts: 5 prime UTR variant (1).
Genome position (GRCh38, 1-based): chr15:90,749,482, T>G. VCF-style: chr15-90749482-T-G. GRCh37 (hg19) VCF-style: chr15-91292712-T-G.
Other names: c.214T>G, p.Ser72Ala (NM_001287246.2, NM_001287247.2); c.-1078T>G (NM_001287248.2); short protein forms S72A.
Identifiers: ClinVar variation 666155 (VCV000666155.13), dbSNP rs146521411, ClinGen allele CA7738261.
Genomic context (GRCh38, chr15:90,749,482, plus strand): 5'-GTGTCAGTAGCAAAAACACCTGTATTAAGAAATAAAGATGTTAATGTTACCGAAGACTTT[T>G]CCTTCAGTGAACCTCTACCCAACACCACAAATCAGCAAAGGGTCAAGGACTTCTTTAAAA-3'
Protein context (NP_000048.1, residues 62-82): NKDVNVTEDF[Ser72Ala]FSEPLPNTTN